The following is an entry in ClinVar:

NM_177438.3(DICER1):c.3902T>A (p.Leu1301Ter)

Gene: DICER1 (dicer 1, ribonuclease III; minus strand). Cytogenetic location: 14q32.13.
Variant type: single nucleotide variant.
Coding change: c.3902T>A on transcript NM_177438.3 (MANE Select); coding-DNA position 3902, T replaced by A.
Protein change: p.Leu1301Ter; replaces leucine 1301 with a stop codon.
Molecular consequence: nonsense. On other transcripts: non-coding transcript variant (6).
Genome position (GRCh38, 1-based): chr14:95,103,494, A>T on the plus strand (T>A on the coding strand, the complement: DICER1 is on the minus strand). VCF-style: chr14-95103494-A-T. GRCh37 (hg19) VCF-style: chr14-95569831-A-T.
Other names: c.3902T>A, p.Leu1301Ter (NM_001195573.1, NM_001271282.3, NM_001291628.2 and 13 more transcripts); c.3620T>A, p.Leu1207Ter (NM_001395686.1); c.3497T>A, p.Leu1166Ter (NM_001395687.1, NM_001395688.1, NM_001395689.1 and 2 more transcripts); c.3335T>A, p.Leu1112Ter (NM_001395691.1); c.2219T>A, p.Leu740Ter (NM_001395697.1); short protein forms L740*, L1207*, L1166*, L1301*, L1112*.
Identifiers: ClinVar variation 1736038 (VCV001736038.2), dbSNP rs1363268262, ClinGen allele CA390873210.

ClinVar aggregate classification (germline): Pathogenic (1 of 4 stars; one submission).

Conditions:
Hereditary cancer-predisposing syndrome. Also called: Neoplastic Syndromes, Hereditary; Tumor predisposition; Hereditary Cancer Syndrome; Hereditary neoplastic syndrome. Identifiers: Orphanet 140162, MedGen C0027672, MeSH D009386, MONDO:0015356.

Submission:

Ambry Genetics
Classification: Pathogenic for Hereditary cancer-predisposing syndrome. Last evaluated: 2020-12-23. Review status: criteria provided, single submitter. Criteria: Ambry Variant Classification Scheme 2023. Collection method: clinical testing. Allele origin: germline.
Comment: The p.L1301* pathogenic mutation (also known as c.3902T>A), located in coding exon 20 of the DICER1 gene, results from a T to A substitution at nucleotide position 3902. This changes the amino acid from a leucine to a stop codon within coding exon 20. This alteration is expected to result in loss of function by premature protein truncation or nonsense-mediated mRNA decay. As such, this alteration is interpreted as a disease-causing mutation.